The following is an entry in ClinVar:

NM_001330260.2(SCN8A):c.4122_4123del (p.Glu1375fs)

Gene: SCN8A (sodium voltage-gated channel alpha subunit 8; plus strand). Cytogenetic location: 12q13.13.
Variant type: Deletion.
Coding change: c.4122_4123del on transcript NM_001330260.2 (MANE Select); coding-DNA positions 4122 to 4123, 2 bases deleted (TG; older notation c.4122_4123delTG).
Protein change: p.Glu1375fs; shifts the reading frame from glutamic acid 1375.
Molecular consequence: frameshift variant.
Genome position (GRCh38, 1-based): chr12:51,786,721-51,786,722, TG deleted. VCF-style (leftmost placement, unchanged base first): chr12-51786720-CTG-C. GRCh37 (hg19) VCF-style: chr12-52180504-CTG-C.
Other names: c.3999_4000del, p.Glu1334fs (NM_001177984.3, NM_001369788.1); c.4122_4123del, p.Glu1375fs (NM_014191.4); short protein forms E1334fs, E1375fs.
Identifiers: ClinVar variation 1439030 (VCV001439030.7), dbSNP rs2138904397, ClinGen allele CA2573148731.
Genomic context (GRCh38, chr12:51,786,720, plus strand): 5'-ACTACTGCTTTAATGAGACTTCTGAAATCCGATTTGAAATTGAAGATGTCAACAATAAAA[CTG>C]AATGTGAAAAGCTTATGGAGGGGAACAATACAGAGATCAGATGGAAGAACGTGAAGATCA-3'

ClinVar aggregate classification (germline): Pathogenic (1 of 4 stars; one submission).

Conditions:
Early-infantile DEE. Also called: Early infantile epileptic encephalopathy; Ohtahara syndrome; Early infantile epileptic encephalopathy with suppression bursts. Identifiers: Orphanet 1934, MedGen C0393706, MONDO:0800491.

Submission:

Labcorp Genetics (formerly Invitae), Labcorp
Classification: Pathogenic for Early-infantile DEE. Last evaluated: 2021-12-06. Review status: criteria provided, single submitter. Criteria: Invitae Variant Classification Sherloc (09022015). Collection method: clinical testing. Allele origin: germline.
Comment: For these reasons, this variant has been classified as Pathogenic. This variant has not been reported in the literature in individuals affected with SCN8A-related conditions. This variant is not present in population databases (gnomAD no frequency). This sequence change creates a premature translational stop signal (p.Glu1375Metfs*2) in the SCN8A gene. It is expected to result in an absent or disrupted protein product. Loss-of-function variants in SCN8A are known to be pathogenic (PMID: 19254928, 32651551).

Literature cited by the submitters: PubMed 19254928; PubMed 32651551.